The following is an entry in ClinVar:

NM_004991.4(MECOM):c.1052C>T (p.Pro351Leu)

Gene: MECOM (MDS1 and EVI1 complex locus; minus strand). Cytogenetic location: 3q26.2.
Variant type: single nucleotide variant.
Coding change: c.1052C>T on transcript NM_004991.4 (MANE Select); coding-DNA position 1052, C replaced by T.
Protein change: p.Pro351Leu; replaces proline 351 with leucine.
Molecular consequence: missense variant.
Genome position (GRCh38, 1-based): chr3:169,121,136, G>A on the plus strand (C>T on the coding strand, the complement: MECOM is on the minus strand). VCF-style: chr3-169121136-G-A. GRCh37 (hg19) VCF-style: chr3-168838924-G-A.
Other names: c.1052C>T (NM_004991.3); c.683C>T, p.Pro228Leu (NM_001105077.4); c.488C>T, p.Pro163Leu (NM_001105078.4, NM_001164000.2, NM_001205194.2 and 5 more transcripts); c.491C>T, p.Pro164Leu (NM_001163999.2, NM_001366467.2, NM_001366468.2 and 1 more transcripts); c.1052C>T, p.Pro351Leu (NM_001366466.2, NM_001366473.2); short protein forms P164L, P163L, P228L, P351L.
Identifiers: ClinVar variation 2728532 (VCV002728532.4), dbSNP rs2549444803, ClinGen allele CA355066178.
Genomic context (GRCh38, chr3:169,121,136, plus strand): 5'-CTGTGGATGTGCTTGTGTTGTTTGAGGCCCGACGAAGTGGCAAACGTTTTGCCACACTCC[G>A]GGCATGCATGGGCCCGGGCACCGACATGCTGAGAGCGAATGTGCCGCTGAAGGTTGCTAG-3'
Protein context (NP_004982.2, residues 341-361): QHVGARAHAC[Pro351Leu]ECGKTFATSS

ClinVar aggregate classification (germline): Uncertain significance. Review status: criteria provided, multiple submitters, no conflicts (2 of 4 stars). 2 submissions from 2 submitters: Uncertain significance (2). Last evaluated 2025-11-04.

Conditions:
Inborn genetic diseases. Identifiers: MedGen C0950123, MeSH D030342.

Allele frequency attached by ClinVar (database versions not stated): gnomAD exomes below 0.00001.

Submissions (2):

Ambry Genetics
Classification: Uncertain significance for Inborn genetic diseases. Last evaluated: 2025-11-04. Review status: criteria provided, single submitter. Criteria: Ambry Variant Classification Scheme 2023. Collection method: clinical testing. Allele origin: germline.
Comment: The p.P351L variant (also known as c.1052C>T), located in coding exon 7 of the MECOM gene, results from a C to T substitution at nucleotide position 1052. The proline at codon 351 is replaced by leucine, an amino acid with similar properties. This amino acid position is conserved. In addition, this alteration is predicted to be tolerated by in silico analysis. Based on the available evidence, the clinical significance of this variant remains unclear.

Labcorp Genetics (formerly Invitae), Labcorp
Classification: Uncertain significance. Last evaluated: 2023-04-13. Review status: criteria provided, single submitter. Criteria: Invitae Variant Classification Sherloc (09022015). Collection method: clinical testing. Allele origin: germline.
Comment: This variant has not been reported in the literature in individuals affected with MECOM-related conditions. This sequence change replaces proline, which is neutral and non-polar, with leucine, which is neutral and non-polar, at codon 163 of the MECOM protein (p.Pro163Leu). This variant is not present in population databases (gnomAD no frequency). An algorithm developed to predict the effect of missense changes on protein structure and function (PolyPhen-2) suggests that this variant is likely to be disruptive. In summary, the available evidence is currently insufficient to determine the role of this variant in disease. Therefore, it has been classified as a Variant of Uncertain Significance.